The following is an entry in ClinVar:

ClinVar aggregate classification (germline): Likely benign (0 of 4 stars; one submission).

Conditions:
PLAGL1-related disorder. Also called: PLAGL1-related condition.

Allele frequency attached by ClinVar (database versions not stated): TOPMed 0.00002; gnomAD 0.00005; ExAC 0.00011; 1000 Genomes Project 30x 0.00031; 1000 Genomes Project 0.00040.
gnomAD v4.1: 91 of 1,613,452 alleles (0.0056%); highest among the groups gnomAD compares: Middle Eastern, 0.07%; 1 homozygote.

Submission:

PreventionGenetics, part of Exact Sciences
Classification: Likely benign for PLAGL1-related condition. Last evaluated: 2019-03-20. Review status: no assertion criteria provided. Collection method: clinical testing. Allele origin: germline.
Comment: This variant is classified as likely benign based on ACMG/AMP sequence variant interpretation guidelines (Richards et al. 2015 PMID: 25741868, with internal and published modifications).

NM_001317162.2(PLAGL1):c.9G>A (p.Thr3=)

Gene: PLAGL1 (PLAG1 like zinc finger 1; minus strand). Cytogenetic location: 6q24.2.
Variant type: single nucleotide variant.
Coding change: c.9G>A on transcript NM_001317162.2 (MANE Select); coding-DNA position 9, G replaced by A.
Protein change: p.Thr3=; no amino-acid change (threonine 3 retained).
Molecular consequence: synonymous variant. On other transcripts: intron variant (9).
Genome position (GRCh38, 1-based): chr6:143,948,128, C>T on the plus strand (G>A on the coding strand, the complement: PLAGL1 is on the minus strand). VCF-style: chr6-143948128-C-T. GRCh37 (hg19) VCF-style: chr6-144269265-C-T.
Other names: c.9G>A, p.Thr3= (NM_001080951.3, NM_001080952.3, NM_001080953.3 and 14 more transcripts); c.-4-5465G>A (NM_001289038.2, NM_001289037.2, NM_001080955.3 and 6 more transcripts).
Identifiers: ClinVar variation 3046301 (VCV003046301.2), dbSNP rs539999694, ClinGen allele CA4031501.
Genomic context (GRCh38, chr6:143,948,128, plus strand): 5'-ATTGTGAATCGTGAACTTCTCCAGGGTGAGGAACGTCTTGCCACATAACTGGCAGGGGAA[C>T]GTGGCCATGGGCTTTGCTTCTCACACCTTCCTTTTCAGATGTGCTGACCAAATGCTGTGC-3'
Protein context (NP_001304091.1, residues 1-13): MA[Thr3=]FPCQLCGKTF